The following is an entry in ClinVar:

ClinVar aggregate classification (germline): Uncertain significance. Review status: criteria provided, multiple submitters, no conflicts (2 of 4 stars). 11 submissions from 7 submitters: Uncertain significance (11). Last evaluated 2025-10-22.

Conditions:
Hereditary cryohydrocytosis with reduced stomatin. Also called: Stomatin-deficient cryohydrocytosis with neurologic defects; GLUT1 DEFICIENCY SYNDROME WITH PSEUDOHYPERKALEMIA AND HEMOLYSIS. Identifiers: Orphanet 168577, MedGen C1837206, MONDO:0012143, OMIM 608885.
Encephalopathy due to GLUT1 deficiency. Also called: GLUT1 deficiency syndrome 1; Classic Glucose Transporter Type 1 Deficiency Syndrome; GLUCOSE TRANSPORT DEFECT, BLOOD-BRAIN BARRIER; Glucose transporter protein syndrome; De Vivo disease; GLUT1 deficiency syndrome 1, infantile onset, severe. Identifiers: Orphanet 71277, MedGen C4551966, MONDO:0011724, OMIM 606777.
GLUT1 deficiency syndrome 1, autosomal recessive. Identifiers: MedGen C3149117.
Inborn genetic diseases. Identifiers: MedGen C0950123, MeSH D030342.
Dystonia 9 (DYT9). Also called: CHOREOATHETOSIS, KINESIGENIC, WITH EPISODIC ATAXIA AND SPASTICITY. Identifiers: Orphanet 53583, MedGen C1832855, MONDO:0010983, OMIM 601042.
Epilepsy, idiopathic generalized, susceptibility to, 12 (EIG12). Identifiers: MedGen C3553859, MONDO:0013919, OMIM 614847.
Childhood onset GLUT1 deficiency syndrome 2. Also called: Exertion-induced paroxysmal dyskinesia; Paroxysmal exercise-induced dystonia; PAROXYSMAL EXERCISE-INDUCED DYSKINESIA WITH OR WITHOUT EPILEPSY AND/OR HEMOLYTIC ANEMIA; PAROXYSMAL EXERTION-INDUCED DYSTONIA WITH OR WITHOUT EPILEPSY AND/OR HEMOLYTIC ANEMIA; PED WITH OR WITHOUT EPILEPSY AND/OR HEMOLYTIC ANEMIA; GLUT1 deficiency syndrome 2. Identifiers: Orphanet 98811, MedGen C1842534, MONDO:0012805, OMIM 612126.

Allele frequency attached by ClinVar (database versions not stated): gnomAD exomes 0.00001 and 0.00002; ExAC 0.00002; gnomAD 0.00002 and 0.00003; TOPMed 0.00006.
gnomAD v4.1: 40 of 1,613,998 alleles (0.0025%); highest among the groups gnomAD compares: Middle Eastern, 0.016%; no homozygotes.

Submissions (11):

Labcorp Genetics (formerly Invitae), Labcorp
Classification: Uncertain significance for GLUT1 deficiency syndrome 1, autosomal recessive. Last evaluated: 2025-10-22. Review status: criteria provided, single submitter. Criteria: Invitae Variant Classification Sherloc (09022015). Collection method: clinical testing. Allele origin: germline.
Comment: This sequence change replaces arginine, which is basic and polar, with glutamine, which is neutral and polar, at codon 223 of the SLC2A1 protein (p.Arg223Gln). This variant is present in population databases (rs397514564, gnomAD 0.006%). This missense change has been observed in individuals with clinical features of SLC2A1-related conditions (PMID: 23280796, 33240831, 35571021; internal data). ClinVar contains an entry for this variant (Variation ID: 842670). Invitae Evidence Modeling of protein sequence and biophysical properties (such as structural, functional, and spatial information, amino acid conservation, physicochemical variation, residue mobility, and thermodynamic stability) indicates that this missense variant is not expected to disrupt SLC2A1 protein function with a negative predictive value of 95%. Experimental studies are conflicting or provide insufficient evidence to determine the effect of this variant on SLC2A1 function (PMID: 23280796, 25982116). This variant disrupts the p.Arg223 amino acid residue in SLC2A1. Other variant(s) that disrupt this residue have been determined to be pathogenic (PMID: 25564316, 26537434). This suggests that this residue is clinically significant, and that variants that disrupt this residue are likely to be disease-causing. In summary, the available evidence is currently insufficient to determine the role of this variant in disease. Therefore, it has been classified as a Variant of Uncertain Significance.

Mayo Clinic Laboratories, Mayo Clinic
Classification: Uncertain significance. Last evaluated: 2024-09-19. Review status: criteria provided, single submitter. Criteria: ACMG Guidelines, 2015. Collection method: clinical testing. Allele origin: germline. Observed: 3 variant alleles.

Genome-Nilou Lab
Classification: Uncertain significance for Epilepsy, idiopathic generalized, susceptibility to, 12. Last evaluated: 2023-04-11. Review status: criteria provided, single submitter. Criteria: ACMG Guidelines, 2015. Collection method: clinical testing. Allele origin: germline. Affected: no.

Genome-Nilou Lab
Classification: Uncertain significance for Dystonia 9. Last evaluated: 2023-04-11. Review status: criteria provided, single submitter. Criteria: ACMG Guidelines, 2015. Collection method: clinical testing. Allele origin: germline. Affected: no.

Genome-Nilou Lab
Classification: Uncertain significance for Encephalopathy due to GLUT1 deficiency. Last evaluated: 2023-04-11. Review status: criteria provided, single submitter. Criteria: ACMG Guidelines, 2015. Collection method: clinical testing. Allele origin: germline. Affected: no.

Genome-Nilou Lab
Classification: Uncertain significance for Childhood onset GLUT1 deficiency syndrome 2. Last evaluated: 2023-04-11. Review status: criteria provided, single submitter. Criteria: ACMG Guidelines, 2015. Collection method: clinical testing. Allele origin: germline. Affected: no.

Genome-Nilou Lab
Classification: Uncertain significance for Hereditary cryohydrocytosis with reduced stomatin. Last evaluated: 2023-04-11. Review status: criteria provided, single submitter. Criteria: ACMG Guidelines, 2015. Collection method: clinical testing. Allele origin: germline. Affected: no.

GeneDx
Classification: Uncertain significance. Last evaluated: 2019-12-13. Review status: criteria provided, single submitter. Criteria: GeneDx Variant Classification Process June 2021. Collection method: clinical testing. Allele origin: germline. Affected: yes.
Comment: Reported previously in an individual with idiopathic generalized epilepsy (Arsov et al., 2012); Published functional studies suggest that the R223Q variant may impact protein function (Lee et al., 2015); This variant is associated with the following publications: (PMID: 28717674, 23280796, 25982116)

Ambry Genetics
Classification: Uncertain significance for Inborn genetic diseases. Last evaluated: 2018-03-14. Review status: criteria provided, single submitter. Criteria: Ambry Variant Classification Scheme 2023. Collection method: clinical testing. Allele origin: germline.
Comment: The p.R223Q variant (also known as c.668G>A), located in coding exon 5 of the SLC2A1 gene, results from a G to A substitution at nucleotide position 668. The arginine at codon 223 is replaced by glutamine, an amino acid with highly similar properties. This alteration was identified in an individual with idiopathic generalized epilepsy, however functional analysis did not show a significant impact on transport (Arsov T et al. Ann. Neurol., 2012 Nov;72:807-15). Subsequent functional studies however demonstrated a negative functional impact for three variants at this position, including R223Q, R223P, and R223W (Lee EE et al. Mol. Cell, 2015 Jun;58:845-53). This amino acid position is not well conserved in available vertebrate species, and glutamine is the reference amino acid in other vertebrate species. In addition, this alteration is predicted to be tolerated by in silico analysis. Since supporting evidence is conflicting at this time, the clinical significance of this alteration remains unclear.

Illumina Laboratory Services, Illumina
Classification: Uncertain significance for Dystonia 9. Last evaluated: 2017-04-27. Review status: criteria provided, single submitter. Criteria: ICSL Variant Classification Criteria 13 December 2019. Collection method: clinical testing. Allele origin: germline.

Neuberg Centre For Genomic Medicine, NCGM
Classification: Uncertain significance for Encephalopathy due to GLUT1 deficiency. Review status: criteria provided, single submitter. Criteria: ACMG Guidelines, 2015. Collection method: clinical testing. Allele origin: germline. Inheritance: Autosomal recessive inheritance. Affected: yes.
Comment: The missense variant p.R223Q in SLC2A1 (NM_006516.4) has been previously reported in an individual affected with idiopathic generalized epilepsy (Arsov et al, 2012). This variant has been reported to have conflicting or insufficient data to determine the effect on SLC2A1 protein function (Lee et al, 2015). The p.Arg223Gln variant has a GnomAD frequency of 0.001193 % and is novel (not in any individuals) in 1000 Genomes. In silico tools predict the variant to be tolerated. The residue is conserved across species. The amino acid change p.Arg223Gln in SLC2A1 is predicted as conserved by GERP++ and PhyloP across 100 vertebrates. For these reasons, this variant has been classified as Uncertain Significance.

Literature cited by the submitters: PubMed 23280796 (cited by 3 submitters); PubMed 33240831 (cited by Labcorp Genetics (formerly Invitae), Labcorp and Mayo Clinic Laboratories, Mayo Clinic); PubMed 35571021 (cited by Labcorp Genetics (formerly Invitae), Labcorp); PubMed 25982116 (cited by 3 submitters); PubMed 25564316 (cited by Labcorp Genetics (formerly Invitae), Labcorp); PubMed 26537434 (cited by Labcorp Genetics (formerly Invitae), Labcorp); PubMed 28717674 (cited by Mayo Clinic Laboratories, Mayo Clinic).

NM_006516.4(SLC2A1):c.668G>A (p.Arg223Gln)

Gene: SLC2A1 (solute carrier family 2 member 1; minus strand). Cytogenetic location: 1p34.2.
Variant type: single nucleotide variant.
Coding change: c.668G>A on transcript NM_006516.4 (MANE Select); coding-DNA position 668, G replaced by A.
Protein change: p.Arg223Gln; replaces arginine 223 with glutamine.
Molecular consequence: missense variant.
Genome position (GRCh38, 1-based): chr1:42,929,884, C>T on the plus strand (G>A on the coding strand, the complement: SLC2A1 is on the minus strand). VCF-style: chr1-42929884-C-T. GRCh37 (hg19) VCF-style: chr1-43395555-C-T.
Other names: p.Arg223Gln; c.668G>A (NM_006516.3); short protein forms R223Q.
Identifiers: ClinVar variation 842670 (VCV000842670.19), dbSNP rs397514564, ClinGen allele CA803484.
Genomic context (GRCh38, chr1:42,929,884, plus strand): 5'-GAAGGCCAGGGCTCAGGGAGTGGGGAGGAGGGCAGGGCCATGCCCGTACCACTCTTGGCC[C>T]GGTTCTCCTCGTTGCGGTTGATGAGCAGGAAGCGGGGACTCTCGGGGCAGAAGGGCAGCA-3'
Protein context (NP_006507.2, residues 213-233): FLLINRNEEN[Arg223Gln]AKSVLKKLRG